The following is an entry in ClinVar:

NM_001868.4(CPA1):c.818A>T (p.Glu273Val)

Gene: CPA1 (carboxypeptidase A1; plus strand). Cytogenetic location: 7q32.2.
Variant type: single nucleotide variant.
Coding change: c.818A>T on transcript NM_001868.4 (MANE Select); coding-DNA position 818, A replaced by T.
Protein change: p.Glu273Val; replaces glutamic acid 273 with valine.
Molecular consequence: missense variant.
Genome position (GRCh38, 1-based): chr7:130,385,176, A>T. VCF-style: chr7-130385176-A-T. GRCh37 (hg19) VCF-style: chr7-130025017-A-T.
Other names: short protein forms E273V.
Identifiers: ClinVar variation 4006066 (VCV004006066.1).

ClinVar aggregate classification (germline): Uncertain significance (1 of 4 stars; one submission).

Conditions:
Hereditary pancreatitis (PCTT). Also called: Hereditary chronic pancreatitis; PRSS1-Related Hereditary Pancreatitis. Identifiers: Orphanet 676, MedGen C0238339, MONDO:0008185, OMIM 167800.

Submission:

Ambry Genetics
Classification: Uncertain significance for Hereditary pancreatitis. Last evaluated: 2025-06-04. Review status: criteria provided, single submitter. Criteria: Ambry Variant Classification Scheme 2023. Collection method: clinical testing. Allele origin: germline.
Comment: The p.E273V variant (also known as c.818A>T), located in coding exon 8 of the CPA1 gene, results from an A to T substitution at nucleotide position 818. The glutamic acid at codon 273 is replaced by valine, an amino acid with dissimilar properties. This amino acid position is conserved. In addition, this alteration is predicted to be tolerated by in silico analysis. Based on the available evidence, the clinical significance of this variant remains unclear.